The following is an entry in ClinVar:

NM_005169.4(PHOX2A):c.471GGCGGGCGC[3] (p.Ala163_Lys164insAlaGlyAla)

Gene: PHOX2A (paired like homeobox 2A; minus strand). Cytogenetic location: 11q13.4.
Variant type: Microsatellite.
Coding change: c.471GGCGGGCGC[3] on transcript NM_005169.4 (MANE Select); three copies in a row of the 9-base unit GGCGGGCGC starting at c.471; the reference has two copies in a row; one copy, 9 bases duplicated.
Protein change: p.Ala163_Lys164insAlaGlyAla.
Molecular consequence: inframe insertion. On other transcripts: 3 prime UTR variant (1).
Genome position (GRCh38, 1-based): chr11:72,240,116-72,240,124, GCGCCCGCC duplicated on the plus strand (GGCGGGCGC on the coding strand, the reverse complement: PHOX2A is on the minus strand); duplicating any 9 consecutive bases within chr11:72,240,116-72,240,139 gives the same sequence; the position shown is the placement nearest the transcript's 3' end. VCF-style (leftmost placement, unchanged base first): chr11-72240115-G-GGCGCCCGCC. GRCh37 (hg19) VCF-style: chr11-71951159-G-GGCGCCCGCC.
Other names: c.555GGCGGGCGC[3], p.Ala191_Lys192insAlaGlyAla (NM_001425096.1); c.495GGCGGGCGC[3], p.Ala171_Lys172insAlaGlyAla (NM_001425097.1); c.*350GGCGGGCGC[3] (NM_001425098.1).
Identifiers: ClinVar variation 4983129 (VCV004983129.1).

ClinVar aggregate classification (germline): Uncertain significance (1 of 4 stars; one submission).

Conditions:
PHOX2A-related disorder. Also called: PHOX2A-related condition.

Submission:

PreventionGenetics, part of Exact Sciences
Classification: Uncertain significance for PHOX2A-related condition. Last evaluated: 2024-12-06. Review status: criteria provided, single submitter. Criteria: ACMG Guidelines, 2015. Collection method: clinical testing. Allele origin: germline.
Comment: The PHOX2A c.480_488dup9 variant is predicted to result in an in-frame duplication (p.Ala161_Ala163dup). To our knowledge, this variant has not been reported in the literature. This variant is reported in 0.041% of alleles in individuals of African descent in gnomAD. At this time, the clinical significance of this variant is uncertain due to the absence of conclusive functional and genetic evidence.